The following is an entry in ClinVar:

NM_031372.4(HNRNPDL):c.338C>G (p.Pro113Arg)

Gene: HNRNPDL (heterogeneous nuclear ribonucleoprotein D like; minus strand). Cytogenetic location: 4q21.22.
Variant type: single nucleotide variant.
Coding change: c.338C>G on transcript NM_031372.4 (MANE Select); coding-DNA position 338, C replaced by G.
Protein change: p.Pro113Arg; replaces proline 113 with arginine.
Molecular consequence: missense variant. On other transcripts: non-coding transcript variant (1).
Genome position (GRCh38, 1-based): chr4:82,429,353, G>C on the plus strand (C>G on the coding strand, the complement: HNRNPDL is on the minus strand). VCF-style: chr4-82429353-G-C. GRCh37 (hg19) VCF-style: chr4-83350506-G-C.
Other names: c.338C>G, p.Pro113Arg (NM_001207000.1); short protein forms P113R.
Identifiers: ClinVar variation 2900157 (VCV002900157.3), dbSNP rs753527264, ClinGen allele CA100598687.

ClinVar aggregate classification (germline): Uncertain significance (1 of 4 stars; one submission).

Conditions:
Autosomal dominant limb-girdle muscular dystrophy type 1G (LGMDD3). Also called: Limb-girdle muscular dystrophy, type 1G; MUSCULAR DYSTROPHY, LIMB-GIRDLE, AUTOSOMAL DOMINANT 3. Identifiers: Orphanet 55596, MedGen C1836765, MONDO:0012193, OMIM 609115.

gnomAD v4.1: 4 of 1,613,450 alleles (0.00025%); highest among the groups gnomAD compares: Non-Finnish European, 0.00034%; no homozygotes.

Submission:

Labcorp Genetics (formerly Invitae), Labcorp
Classification: Uncertain significance for Autosomal dominant limb-girdle muscular dystrophy type 1G. Last evaluated: 2024-06-14. Review status: criteria provided, single submitter. Criteria: Invitae Variant Classification Sherloc (09022015). Collection method: clinical testing. Allele origin: germline.
Comment: This sequence change replaces proline, which is neutral and non-polar, with arginine, which is basic and polar, at codon 113 of the HNRNPDL protein (p.Pro113Arg). This variant is not present in population databases (gnomAD no frequency). This variant has not been reported in the literature in individuals affected with HNRNPDL-related conditions. An algorithm developed to predict the effect of missense changes on protein structure and function (PolyPhen-2) suggests that this variant is likely to be tolerated. In summary, the available evidence is currently insufficient to determine the role of this variant in disease. Therefore, it has been classified as a Variant of Uncertain Significance.